The following is an entry in ClinVar:

NM_173660.5(DOK7):c.66_69dup (p.Leu24fs)

Gene: DOK7 (docking protein 7; plus strand). Cytogenetic location: 4p16.3.
Variant type: Duplication.
Coding change: c.66_69dup on transcript NM_173660.5 (MANE Select); coding-DNA positions 66 to 69, 4 bases duplicated (GTGG; older notation c.66_69dupGTGG).
Protein change: p.Leu24fs; shifts the reading frame from leucine 24.
Molecular consequence: frameshift variant.
Genome position (GRCh38, 1-based): chr4:3,463,517-3,463,520, GTGG duplicated; duplicating any 4 consecutive bases within chr4:3,463,516-3,463,520 gives the same sequence; the c. name uses the placement nearest the transcript's 3' end. VCF-style (leftmost placement, unchanged base first): chr4-3463515-A-AGGTG. GRCh37 (hg19) VCF-style: chr4-3465242-A-AGGTG.
Other names: c.66_69dup, p.Leu24fs (NM_001164673.2, NM_001301071.2, NM_001363811.2); short protein forms L24fs.
Identifiers: ClinVar variation 2953726 (VCV002953726.3), dbSNP rs2474962598, ClinGen allele CA2740091094.

ClinVar aggregate classification (germline): Pathogenic (1 of 4 stars; one submission).

Conditions:
Fetal akinesia deformation sequence 1 (FADS1). Also called: Pena-Shokeir syndrome type I; Fetal akinesia sequence. Identifiers: Orphanet 994, MedGen C1276035, MONDO:0100101, OMIM 208150, HP:0001989.
Congenital myasthenic syndrome 10. Also called: Myasthenia, limb-girdle, familial. Identifiers: Orphanet 590, MedGen C1850792, MONDO:0009690, OMIM 254300.

Submission:

Labcorp Genetics (formerly Invitae), Labcorp
Classification: Pathogenic for Congenital myasthenic syndrome 10; Fetal akinesia deformation sequence 1. Last evaluated: 2023-11-09. Review status: criteria provided, single submitter. Criteria: Invitae Variant Classification Sherloc (09022015). Collection method: clinical testing. Allele origin: germline.
Comment: This sequence change creates a premature translational stop signal (p.Leu24Valfs*70) in the DOK7 gene. It is expected to result in an absent or disrupted protein product. Loss-of-function variants in DOK7 are known to be pathogenic (PMID: 16794080, 16917026, 18626973, 19261599). This variant is not present in population databases (gnomAD no frequency). This variant has not been reported in the literature in individuals affected with DOK7-related conditions. For these reasons, this variant has been classified as Pathogenic.

Literature cited by the submitters: PubMed 16794080; PubMed 16917026; PubMed 18626973; PubMed 19261599.